The following is an entry in ClinVar:

ClinVar aggregate classification (germline): Benign. Review status: criteria provided, multiple submitters, no conflicts (2 of 4 stars). 7 submissions from 7 submitters: Benign (7). Last evaluated 2026-02-03.

Conditions:
Autosomal dominant nonsyndromic hearing loss 44. Identifiers: Orphanet 90635, MedGen C1843895, MONDO:0011832, OMIM 607453.

Allele frequency attached by ClinVar (database versions not stated): gnomAD exomes 0.54374 and 0.62814; ESP Exome Variant Server 0.62294; ExAC 0.62591; gnomAD 0.65003 and 0.65376; TOPMed 0.67029; 1000 Genomes Project 0.77097; 1000 Genomes Project 30x 0.77342.
gnomAD v4.1: 885,824 of 1,596,420 alleles (55%); highest among the groups gnomAD compares: East Asian, 90%; 256,916 homozygotes.

Submissions (8):

Labcorp Genetics (formerly Invitae), Labcorp
Classification: Benign. Last evaluated: 2026-02-03. Review status: criteria provided, single submitter. Criteria: Invitae Variant Classification Sherloc (09022015). Collection method: clinical testing. Allele origin: germline.

Genome-Nilou Lab
Classification: Benign for Autosomal dominant nonsyndromic hearing loss 44. Last evaluated: 2021-07-14. Review status: criteria provided, single submitter. Criteria: ACMG Guidelines, 2015. Collection method: clinical testing. Allele origin: germline. Affected: no.

Mayo Clinic Laboratories, Mayo Clinic
Classification: Benign. Last evaluated: 2019-06-24. Review status: criteria provided, single submitter. Criteria: ACMG Guidelines, 2015. Collection method: clinical testing. Allele origin: germline. Observed: 132 variant alleles.

GeneDx
Classification: Benign. Last evaluated: 2017-05-09. Review status: criteria provided, single submitter. Criteria: GeneDx Variant Classification (06012015). Collection method: clinical testing. Allele origin: germline. Affected: yes.
Comment: This variant is considered likely benign or benign based on one or more of the following criteria: it is a conservative change, it occurs at a poorly conserved position in the protein, it is predicted to be benign by multiple in silico algorithms, and/or has population frequency not consistent with disease.

Laboratory for Molecular Medicine, Mass General Brigham Personalized Medicine
Classification: Benign. Last evaluated: 2012-05-07. Review status: criteria provided, single submitter. Criteria: LMM Criteria. Collection method: clinical testing. Allele origin: germline. Observed: 1,348 variant alleles.
Comment: 50-4C>G in Intron 01 of CCDC50: This variant is not expected to have clinical si gnificance because it is not located within the conserved splice consensus seque nce and has been identified in 49.3% (3462/7020) of European American chromosome s from a broad population by the NHLBI Exome Sequencing Project (dbSNP rs188384).

Breakthrough Genomics
Classification: Benign. Review status: criteria provided, single submitter. Criteria: ACMG Guidelines, 2015. Collection method: not provided. Allele origin: germline. Inheritance: Autosomal dominant inheritance. Affected: yes.

PreventionGenetics, part of Exact Sciences
Classification: Benign. Review status: criteria provided, single submitter. Criteria: ACMG Guidelines, 2015. Collection method: clinical testing. Allele origin: germline.

Dr. Peter K. Rogan Lab, Western University
No classification provided (evidence only). Condition: Hepatocellular carcinoma. Review status: no classification provided. Collection method: in vitro. Allele origin: not applicable. Functional consequence: retained intron. Not counted in ClinVar's aggregate classification.

NM_178335.3(CCDC50):c.50-4C>G

Gene: CCDC50 (coiled-coil domain containing 50; plus strand). Cytogenetic location: 3q28.
Variant type: single nucleotide variant.
Coding change: c.50-4C>G on transcript NM_178335.3 (MANE Select); 4 bases into the intron before coding-DNA position 50, C replaced by G.
Molecular consequence: intron variant.
Genome position (GRCh38, 1-based): chr3:191,357,084, C>G. VCF-style: chr3-191357084-C-G. GRCh37 (hg19) VCF-style: chr3-191074873-C-G.
Other names: p.?; c.50-4C>G (NM_174908.4).
Identifiers: ClinVar variation 48155 (VCV000048155.18), dbSNP rs188384, ClinGen allele CA142716.